The following is an entry in ClinVar:

ClinVar aggregate classification (germline): Uncertain significance (1 of 4 stars; one submission).

Conditions:
Inborn genetic diseases. Identifiers: MedGen C0950123, MeSH D030342.

Submission:

Ambry Genetics
Classification: Uncertain significance for Inborn genetic diseases. Last evaluated: 2017-05-31. Review status: criteria provided, single submitter. Criteria: Ambry Variant Classification Scheme 2023. Collection method: clinical testing. Allele origin: germline.
Comment: The p.Y1038S variant (also known as c.3113A>C), located in coding exon 21 of the EHMT1 gene, results from an A to C substitution at nucleotide position 3113. The tyrosine at codon 1038 is replaced by serine, an amino acid with dissimilar properties. This amino acid position is well conserved in available vertebrate species. In addition, the in silico prediction for this alteration is inconclusive. Since supporting evidence is limited at this time, the clinical significance of this alteration remains unclear.

NM_024757.5(EHMT1):c.3113A>C (p.Tyr1038Ser)

Gene: EHMT1 (euchromatic histone lysine methyltransferase 1; plus strand). Cytogenetic location: 9q34.3.
Variant type: single nucleotide variant.
Coding change: c.3113A>C on transcript NM_024757.5 (MANE Select); coding-DNA position 3113, A replaced by C.
Protein change: p.Tyr1038Ser; replaces tyrosine 1038 with serine.
Molecular consequence: missense variant.
Genome position (GRCh38, 1-based): chr9:137,813,463, A>C. VCF-style: chr9-137813463-A-C. GRCh37 (hg19) VCF-style: chr9-140707915-A-C.
Other names: c.3092A>C, p.Tyr1031Ser (NM_001354263.2); short protein forms Y1031S, Y1038S.
Identifiers: ClinVar variation 1727774 (VCV001727774.2), dbSNP rs2538662150, ClinGen allele CA375794195.